The following is an entry in ClinVar:

ClinVar aggregate classification (germline): Pathogenic/Likely pathogenic. Review status: criteria provided, multiple submitters, no conflicts (2 of 4 stars). 3 submissions from 3 submitters: Pathogenic (2); Likely pathogenic (1). Last evaluated 2025-01-06.

Conditions:
Progressive myoclonic epilepsy. Also called: Progressive myoclonus epilepsy; Familial progressive myoclonic epilepsy; Myoclonic Epilepsies, Progressive; Myoclonus epilepsy. Identifiers: Orphanet 308, Orphanet 98261, MedGen C0751778, MONDO:0020074.
Lafora disease. Also called: Epilepsy progressive myoclonic 2; Progressive Myoclonus Epilepsy, Lafora Type. Identifiers: Orphanet 501, MedGen C0751783, MONDO:0009697.

Allele frequency attached by ClinVar (database versions not stated): TOPMed below 0.00001; gnomAD 0.00001; ESP Exome Variant Server 0.00008.
gnomAD v4.1: 1 of 1,612,144 alleles (0.000062%); highest among the groups gnomAD compares: African/African-American, 0.0013%; no homozygotes.

Submissions (3):

Broad Center for Mendelian Genomics, Broad Institute of MIT and Harvard
Classification: Pathogenic for Lafora disease. Last evaluated: 2025-01-06. Review status: criteria provided, single submitter. Criteria: ACMG Guidelines, 2015. Collection method: curation. Allele origin: germline. Inheritance: Autosomal recessive inheritance.
Comment: The c.302-1G>C variant in EPM2A has not been previously reported in the literature in individuals with Lafora disease, but has been identified in 0.002% (1/41314) of African/African American chromosomes by the Genome Aggregation Database (gnomAD; dbSNP rs369463720). Although this variant has been seen in the general population in a heterozygous state, its frequency is low enough to be consistent with a recessive carrier frequency. This variant has also been reported in ClinVar (Variation ID: 1393093) and has been interpreted as likely pathogenic by Mendelics and pathogenic by Invitae. This variant is located in the 3' splice region. Computational tools predict a splicing impact, though this information is not predictive enough to determine pathogenicity. There is an in-frame cryptic splice site 78 bases from the intron-exon boundary, providing evidence that this variant may delete 26 amino acids instead of causing loss of function. However, this information is not predictive enough to determine pathogenicity. One additional pathogenic variant, predicted to induce the same splicing effect as this variant, has been reported in ClinVar as being associated with Lafora disease, supporting that the c.302-1G>C variant may be pathogenic (Variation ID: 1068477). In summary, this variant meets criteria to be classified as pathogenic for autosomal recessive Lafora disease. ACMG/AMP Criteria applied: PS1, PVS1_strong, PM2_supporting (Richards 2015).

Mendelics
Classification: Likely pathogenic for Myoclonic epilepsy of Lafora 1. Last evaluated: 2022-05-04. Review status: criteria provided, single submitter. Criteria: Mendelics Assertion Criteria 2019. Collection method: clinical testing. Allele origin: germline.

Labcorp Genetics (formerly Invitae), Labcorp
Classification: Pathogenic for Progressive myoclonic epilepsy. Last evaluated: 2020-11-23. Review status: criteria provided, single submitter. Criteria: Invitae Variant Classification Sherloc (09022015). Collection method: clinical testing. Allele origin: germline.
Comment: For these reasons, this variant has been classified as Pathogenic. Algorithms developed to predict the effect of sequence changes on RNA splicing suggest that this variant may disrupt the consensus splice site, but this prediction has not been confirmed by published transcriptional studies. Disruption of this splice site has been observed in individual(s) with Lafora disease (PMID: 20738377). This variant is not present in population databases (ExAC no frequency). This sequence change affects an acceptor splice site in intron 1 of the EPM2A gene. It is expected to disrupt RNA splicing. Variants that disrupt the donor or acceptor splice site typically lead to a loss of protein function (PMID: 16199547), and loss-of-function variants in EPM2A are known to be pathogenic (PMID: 20738377).

Literature cited by the submitters: PubMed 20738377 (cited by Labcorp Genetics (formerly Invitae), Labcorp); PubMed 16199547 (cited by Labcorp Genetics (formerly Invitae), Labcorp).

NM_005670.4(EPM2A):c.302-1G>C

Gene: EPM2A (EPM2A glucan phosphatase, laforin; minus strand). Cytogenetic location: 6q24.3.
Variant type: single nucleotide variant.
Coding change: c.302-1G>C on transcript NM_005670.4 (MANE Select); the canonical splice acceptor site of the intron before coding-DNA position 302, G replaced by C.
Molecular consequence: splice acceptor variant.
Genome position (GRCh38, 1-based): chr6:145,686,297, C>G on the plus strand (G>C on the coding strand, the complement: EPM2A is on the minus strand). VCF-style: chr6-145686297-C-G. GRCh37 (hg19) VCF-style: chr6-146007433-C-G.
Other names: c.-113-1G>C (NM_001360064.2, NM_001368131.1, NM_001360071.2); c.302-1G>C (NM_001360057.2, NM_001018041.2, NM_001368130.1); c.-322-1G>C (NM_001368129.2, NM_001368132.1).
Identifiers: ClinVar variation 1393093 (VCV001393093.10), dbSNP rs369463720, ClinGen allele CA149189428.